The following is an entry in ClinVar:

NM_019594.4(LRRC8A):c.1035G>A (p.Arg345=)

Gene: LRRC8A (leucine rich repeat containing 8 VRAC subunit A; plus strand). Cytogenetic location: 9q34.11.
Variant type: single nucleotide variant.
Coding change: c.1035G>A on transcript NM_019594.4 (MANE Select); coding-DNA position 1035, G replaced by A.
Protein change: p.Arg345=; no amino-acid change (arginine 345 retained).
Molecular consequence: synonymous variant.
Genome position (GRCh38, 1-based): chr9:128,908,199, G>A. VCF-style: chr9-128908199-G-A. GRCh37 (hg19) VCF-style: chr9-131670478-G-A.
Other names: c.1035G>A, p.Arg345= (NM_001127244.2, NM_001127245.2).
Identifiers: ClinVar variation 3005608 (VCV003005608.4), dbSNP rs760542928, ClinGen allele CA5270823.
Genomic context (GRCh38, chr9:128,908,199, plus strand): 5'-CATCAGCCTAGTCATCTTCTACGGCCTCATCTGCATGTATACACTGTGGTGGATGCTACG[G>A]CGCTCCCTCAAGAAGTACTCGTTTGAGTCGATCCGTGAGGAGAGCAGCTACAGCGACATC-3'
Protein context (NP_062540.2, residues 335-355): ICMYTLWWML[Arg345=]RSLKKYSFES

ClinVar aggregate classification (germline): Likely benign. Review status: criteria provided, multiple submitters, no conflicts (2 of 4 stars). 2 submissions from 2 submitters: Likely benign (2). Last evaluated 2026-08-01.

Allele frequency attached by ClinVar (database versions not stated): gnomAD exomes below 0.00001; ExAC 0.00002; gnomAD 0.00005; TOPMed 0.00005.
gnomAD v4.1: 15 of 1,613,888 alleles (0.00093%); highest among the groups gnomAD compares: African/African-American, 0.013%; no homozygotes.

Submissions (2):

CeGaT Center for Human Genetics Tuebingen
Classification: Likely benign. Last evaluated: 2026-08-01. Review status: criteria provided, single submitter. Criteria: CeGaT Center For Human Genetics Tuebingen Variant Classification Criteria Version 2. Collection method: clinical testing. Allele origin: germline. Affected: yes. Observed: 1 variant allele.
Comment: LRRC8A: BP4, BP7

Labcorp Genetics (formerly Invitae), Labcorp
Classification: Likely benign. Last evaluated: 2023-02-14. Review status: criteria provided, single submitter. Criteria: Invitae Variant Classification Sherloc (09022015). Collection method: clinical testing. Allele origin: germline.